The following is an entry in ClinVar:

NM_000059.4(BRCA2):c.3893T>A (p.Ile1298Asn)

Gene: BRCA2 (BRCA2 DNA repair associated; plus strand). Cytogenetic location: 13q13.1.
Variant type: single nucleotide variant.
Coding change: c.3893T>A on transcript NM_000059.4 (MANE Select); coding-DNA position 3893, T replaced by A.
Protein change: p.Ile1298Asn; replaces isoleucine 1298 with asparagine.
Molecular consequence: missense variant.
Genome position (GRCh38, 1-based): chr13:32,338,248, T>A. VCF-style: chr13-32338248-T-A. GRCh37 (hg19) VCF-style: chr13-32912385-T-A.
Other names: short protein forms I1298N.
Identifiers: ClinVar variation 631076 (VCV000631076.12), dbSNP rs80358633, ClinGen allele CA387778774.
Genomic context (GRCh38, chr13:32,338,248, plus strand): 5'-ATAATGATAAAACTGTAAGTGAAAAAAATAATAAATGCCAACTGATATTACAAAATAATA[T>A]TGAAATGACTACTGGCACTTTTGTTGAAGAAATTACTGAAAATTACAAGAGAAATACTGA-3'
Protein context (NP_000050.3, residues 1288-1308): NKCQLILQNN[Ile1298Asn]EMTTGTFVEE

ClinVar aggregate classification (germline): Conflicting classifications of pathogenicity. Review status: criteria provided, conflicting classifications (1 of 4 stars). 3 submissions from 3 submitters: Uncertain significance (2); Likely benign (1). Last evaluated 2024-11-14.

Conditions:
Hereditary cancer-predisposing syndrome. Also called: Tumor predisposition; Neoplastic Syndromes, Hereditary; Hereditary neoplastic syndrome; Hereditary Cancer Syndrome. Identifiers: Orphanet 140162, MedGen C0027672, MeSH D009386, MONDO:0015356.

Submissions (3):

Ambry Genetics
Classification: Uncertain significance for Hereditary cancer-predisposing syndrome. Last evaluated: 2024-11-14. Review status: criteria provided, single submitter. Criteria: Ambry Variant Classification Scheme 2023. Collection method: clinical testing. Allele origin: germline.
Comment: The p.I1298N variant (also known as c.3893T>A), located in coding exon 10 of the BRCA2 gene, results from a T to A substitution at nucleotide position 3893. The isoleucine at codon 1298 is replaced by asparagine, an amino acid with dissimilar properties. This amino acid position is poorly conserved in available vertebrate species. In addition, this alteration is predicted to be tolerated by in silico analysis. Since supporting evidence is limited at this time, the clinical significance of this alteration remains unclear.

Color Diagnostics, LLC DBA Color Health
Classification: Uncertain significance for Hereditary cancer-predisposing syndrome. Last evaluated: 2023-12-05. Review status: criteria provided, single submitter. Criteria: ACMG Guidelines, 2015. Collection method: clinical testing. Allele origin: germline.
Comment: This missense variant replaces isoleucine with asparagine at codon 1298 of the BRCA2 protein. Computational prediction suggests that this variant may not impact protein structure and function (internally defined REVEL score threshold <= 0.5, PMID: 27666373). To our knowledge, functional studies have not been reported for this variant. This variant has not been reported in individuals affected with BRCA2-related disorders in the literature. This variant has not been identified in the general population by the Genome Aggregation Database (gnomAD). The available evidence is insufficient to determine the role of this variant in disease conclusively. Therefore, this variant is classified as a Variant of Uncertain Significance.

University of Washington Department of Laboratory Medicine, University of Washington
Classification: Likely benign for Hereditary cancer-predisposing syndrome. Last evaluated: 2023-03-23. Review status: criteria provided, single submitter. Criteria: Dines et al. (Genet Med. 2020). Collection method: curation. Allele origin: germline.
Comment: Missense variant in a coldspot region where missense variants are very unlikely to be pathogenic (PMID:31911673).

BRCA2 exon 11 coldspot. Reclassification based on statistical prior probability.